The following is an entry in ClinVar:

ClinVar aggregate classification (germline): Conflicting classifications of pathogenicity. Review status: criteria provided, conflicting classifications (1 of 4 stars). 2 submissions from 2 submitters: Likely pathogenic (1); Uncertain significance (1). Last evaluated 2024-05-21.

Conditions:
KIT-related disorder. Also called: KIT-related condition.
Gastrointestinal stromal tumor. Also called: Gastrointestinal stromal tumor, somatic; Gastrointestinal stroma tumor. Identifiers: Orphanet 44890, MedGen C0238198, MeSH D046152, MONDO:0011719, OMIM 606764, HP:0100723.

Submissions (2):

Labcorp Genetics (formerly Invitae), Labcorp
Classification: Uncertain significance for Gastrointestinal stromal tumor. Last evaluated: 2024-05-21. Review status: criteria provided, single submitter. Criteria: Invitae Variant Classification Sherloc (09022015). Collection method: clinical testing. Allele origin: germline.
Comment: This sequence change replaces glycine, which is neutral and non-polar, with aspartic acid, which is acidic and polar, at codon 610 of the KIT protein (p.Gly610Asp). This variant is not present in population databases (gnomAD no frequency). This missense change has been observed in individuals with piebaldism (PMID: 20137753; Invitae). ClinVar contains an entry for this variant (Variation ID: 2203544). An algorithm developed to predict the effect of missense changes on protein structure and function (PolyPhen-2) suggests that this variant is likely to be disruptive. In summary, the available evidence is currently insufficient to determine the role of this variant in disease. Therefore, it has been classified as a Variant of Uncertain Significance.

Blueprint Genetics
Classification: Likely pathogenic for KIT-related disorders. Last evaluated: 2020-01-20. Review status: criteria provided, single submitter. Criteria: ACMG Guidelines, 2015. Collection method: clinical testing. Allele origin: germline. Affected: yes. Observed: 1 variant allele.

Literature cited by the submitters: PubMed 20137753 (cited by Labcorp Genetics (formerly Invitae), Labcorp).

NM_000222.3(KIT):c.1829G>A (p.Gly610Asp)

Gene: KIT (KIT proto-oncogene, receptor tyrosine kinase; plus strand). Cytogenetic location: 4q12.
Variant type: single nucleotide variant.
Coding change: c.1829G>A on transcript NM_000222.3 (MANE Select); coding-DNA position 1829, G replaced by A.
Protein change: p.Gly610Asp; replaces glycine 610 with aspartic acid.
Molecular consequence: missense variant.
Genome position (GRCh38, 1-based): chr4:54,727,877, G>A. VCF-style: chr4-54727877-G-A. GRCh37 (hg19) VCF-style: chr4-55594043-G-A.
Other names: c.1817G>A, p.Gly606Asp (NM_001093772.2, NM_001385286.1); c.1832G>A, p.Gly611Asp (NM_001385284.1, NM_001385290.1); c.1829G>A, p.Gly610Asp (NM_001385285.1); c.1820G>A, p.Gly607Asp (NM_001385288.1, NM_001385292.1); short protein forms G607D, G610D, G611D, G606D.
Identifiers: ClinVar variation 2203544 (VCV002203544.5), dbSNP rs1722340000, ClinGen allele CA356908060.
Genomic context (GRCh38, chr4:54,727,877, plus strand): 5'-CTACAGGGAAAACCCTGGGTGCTGGAGCTTTCGGGAAGGTTGTTGAGGCAACTGCTTATG[G>A]CTTAATTAAGTCAGATGCGGCCATGACTGTCGCTGTAAAGATGCTCAAGCGTAAGTTCCT-3'
Protein context (NP_000213.1, residues 600-620): FGKVVEATAY[Gly610Asp]LIKSDAAMTV